The following is an entry in ClinVar:

NM_153252.5(BRWD3):c.4635A>T (p.Arg1545Ser)

Gene: BRWD3 (bromodomain and WD repeat domain containing 3; minus strand). Cytogenetic location: Xq21.1.
Variant type: single nucleotide variant.
Coding change: c.4635A>T on transcript NM_153252.5 (MANE Select); coding-DNA position 4635, A replaced by T.
Protein change: p.Arg1545Ser; replaces arginine 1545 with serine.
Molecular consequence: missense variant.
Genome position (GRCh38, 1-based): chrX:80,681,360, T>A on the plus strand (A>T on the coding strand, the complement: BRWD3 is on the minus strand). VCF-style: chrX-80681360-T-A. GRCh37 (hg19) VCF-style: chrX-79936859-T-A.
Other names: c.4635A>T (NM_153252.4); short protein forms R1545S.
Identifiers: ClinVar variation 1391969 (VCV001391969.18), dbSNP rs1044378926, ClinGen allele CA331091721.

ClinVar aggregate classification (germline): Conflicting classifications of pathogenicity. Review status: criteria provided, conflicting classifications (1 of 4 stars). 3 submissions from 3 submitters: Uncertain significance (2); Likely benign (1). Last evaluated 2025-10-09.

Conditions:
Inborn genetic diseases. Identifiers: MedGen C0950123, MeSH D030342.

Allele frequency attached by ClinVar (database versions not stated): gnomAD exomes below 0.00001 and 0.00001; gnomAD 0.00002; TOPMed 0.00002.
gnomAD v4.1: 10 of 1,208,667 alleles (0.00083%); highest among the groups gnomAD compares: Admixed American, 0.0044%; no homozygotes.

Submissions (3):

Labcorp Genetics (formerly Invitae), Labcorp
Classification: Uncertain significance. Last evaluated: 2025-10-09. Review status: criteria provided, single submitter. Criteria: Invitae Variant Classification Sherloc (09022015). Collection method: clinical testing. Allele origin: germline.
Comment: This sequence change replaces arginine, which is basic and polar, with serine, which is neutral and polar, at codon 1545 of the BRWD3 protein (p.Arg1545Ser). This variant is present in population databases (no rsID available, gnomAD no frequency). This variant has not been reported in the literature in individuals affected with BRWD3-related conditions. ClinVar contains an entry for this variant (Variation ID: 1391969). Invitae Evidence Modeling of protein sequence and biophysical properties (such as structural, functional, and spatial information, amino acid conservation, physicochemical variation, residue mobility, and thermodynamic stability) indicates that this missense variant is not expected to disrupt BRWD3 protein function with a negative predictive value of 80%. In summary, the available evidence is currently insufficient to determine the role of this variant in disease. Therefore, it has been classified as a Variant of Uncertain Significance.

CeGaT Center for Human Genetics Tuebingen
Classification: Likely benign. Last evaluated: 2025-05-01. Review status: criteria provided, single submitter. Criteria: CeGaT Center For Human Genetics Tuebingen Variant Classification Criteria Version 2. Collection method: clinical testing. Allele origin: germline. Affected: yes. Observed: 1 variant allele.
Comment: BRWD3: BP4, BS2

Ambry Genetics
Classification: Uncertain significance for Inborn genetic diseases. Last evaluated: 2025-03-28. Review status: criteria provided, single submitter. Criteria: Ambry Variant Classification Scheme 2023. Collection method: clinical testing. Allele origin: germline.